The following is an entry in ClinVar:

ClinVar aggregate classification (germline): Pathogenic (1 of 4 stars; one submission).

Submission:

Labcorp Genetics (formerly Invitae), Labcorp
Classification: Pathogenic. Last evaluated: 2023-11-17. Review status: criteria provided, single submitter. Criteria: Invitae Variant Classification Sherloc (09022015). Collection method: clinical testing. Allele origin: germline.
Comment: This sequence change creates a premature translational stop signal (p.Gln130*) in the POLH gene. It is expected to result in an absent or disrupted protein product. Loss-of-function variants in POLH are known to be pathogenic (PMID: 11773631, 24130121, 25256075). This variant is not present in population databases (gnomAD no frequency). This variant has not been reported in the literature in individuals affected with POLH-related conditions. For these reasons, this variant has been classified as Pathogenic.

Literature cited by the submitters: PubMed 11773631; PubMed 24130121; PubMed 25256075.

NM_006502.3(POLH):c.388C>T (p.Gln130Ter)

Gene: POLH (DNA polymerase eta; plus strand). Cytogenetic location: 6p21.1.
Variant type: single nucleotide variant.
Coding change: c.388C>T on transcript NM_006502.3 (MANE Select); coding-DNA position 388, C replaced by T.
Protein change: p.Gln130Ter; replaces glutamine 130 with a stop codon.
Molecular consequence: nonsense. On other transcripts: intron variant (1).
Genome position (GRCh38, 1-based): chr6:43,587,387, C>T. VCF-style: chr6-43587387-C-T. GRCh37 (hg19) VCF-style: chr6-43555124-C-T.
Other names: c.388C>T, p.Gln130Ter (NM_001291970.2); c.118+4246C>T (NM_001291969.2); short protein forms Q130*.
Identifiers: ClinVar variation 2696420 (VCV002696420.3), dbSNP rs2532368603, ClinGen allele CA364276444.